The following is an entry in ClinVar:

NM_001142800.2(EYS):c.5928-3_5928-1del

Gene: EYS (EGF-like photoreceptor maintenance factor; minus strand). Cytogenetic location: 6q12.
Variant type: Deletion.
Coding change: c.5928-3_5928-1del on transcript NM_001142800.2 (MANE Select); 3 bases into the intron before coding-DNA position 5928 through the canonical splice acceptor site of the intron before coding-DNA position 5928, 3 bases deleted (CAG; older notation c.5928-3_5928-1delCAG).
Molecular consequence: splice acceptor variant.
Genome position (GRCh38, 1-based): chr6:64,388,841-64,388,843, CTG deleted on the plus strand (CAG on the coding strand, the reverse complement: EYS is on the minus strand). VCF-style (leftmost placement, unchanged base first): chr6-64388840-CCTG-C. GRCh37 (hg19) VCF-style: chr6-65098733-CCTG-C.
Other names: c.5928-3_5928-1del (NM_001292009.2).
Identifiers: ClinVar variation 438201 (VCV000438201.8), dbSNP rs1554152094, ClinGen allele CA645509483.
Genomic context (GRCh38, chr6:64,388,840, plus strand): 5'-GCATATTTGTGTATTCCTCCCTAAAATAGTCAGCTCAGCGTTACATGGATCCAATTCTTG[CCTG>C]TAACCATTTAAGAAAGAAATGGTTTTAGTATAAGTCATATAAACATTTATCTGACAAATT-3'

ClinVar aggregate classification (germline): Pathogenic/Likely pathogenic. Review status: criteria provided, multiple submitters, no conflicts (2 of 4 stars). 3 submissions from 3 submitters: Pathogenic (1); Likely pathogenic (1). 1 of the submissions does not count toward it. Last evaluated 2024-06-18.

Conditions:
Retinitis pigmentosa 25 (RP25). Identifiers: Orphanet 791, MedGen C1864446, MONDO:0011272, OMIM 602772.
Retinitis pigmentosa (RP). Identifiers: Orphanet 791, MedGen C0035334, MeSH D012174, MONDO:0019200, OMIM 268000. Inheritance: Autosomal dominant, autosomal recessive and X linked inheritance.

Submissions (3):

Fulgent Genetics
Classification: Likely pathogenic for Retinitis pigmentosa 25. Last evaluated: 2024-06-18. Review status: criteria provided, single submitter. Criteria: ACMG Guidelines, 2015. Collection method: clinical testing. Allele origin: germline.

Labcorp Genetics (formerly Invitae), Labcorp
Classification: Pathogenic. Last evaluated: 2022-06-13. Review status: criteria provided, single submitter. Criteria: Invitae Variant Classification Sherloc (09022015). Collection method: clinical testing. Allele origin: germline.
Comment: Disruption of this splice site has been observed in individuals with retinitis pigmentosa (PMID: 28041643, 28704921, 31074760). For these reasons, this variant has been classified as Pathogenic. Algorithms developed to predict the effect of sequence changes on RNA splicing suggest that this variant may disrupt the consensus splice site. ClinVar contains an entry for this variant (Variation ID: 438201). This variant is not present in population databases (gnomAD no frequency). This sequence change affects an acceptor splice site in intron 28 of the EYS gene. It is expected to disrupt RNA splicing. Variants that disrupt the donor or acceptor splice site typically lead to a loss of protein function (PMID: 16199547), and loss-of-function variants in EYS are known to be pathogenic (PMID: 18836446, 20333770).

NIHR Bioresource Rare Diseases, University of Cambridge
Classification: Likely pathogenic for Retinitis pigmentosa. Last evaluated: 2015-01-01. Review status: no assertion criteria provided. Collection method: research. Allele origin: unknown. Affected: yes. Observed: 1 variant allele. Not counted in ClinVar's aggregate classification.

Literature cited by the submitters: PubMed 28041643 (cited by Labcorp Genetics (formerly Invitae), Labcorp and NIHR Bioresource Rare Diseases, University of Cambridge); PubMed 28704921 (cited by Labcorp Genetics (formerly Invitae), Labcorp); PubMed 31074760 (cited by Labcorp Genetics (formerly Invitae), Labcorp); PubMed 16199547 (cited by Labcorp Genetics (formerly Invitae), Labcorp); PubMed 18836446 (cited by Labcorp Genetics (formerly Invitae), Labcorp); PubMed 20333770 (cited by Labcorp Genetics (formerly Invitae), Labcorp).